The following is an entry in ClinVar:

ClinVar aggregate classification (germline): Uncertain significance (1 of 4 stars; one submission).

Allele frequency attached by ClinVar (database versions not stated): ExAC 0.00001; gnomAD exomes 0.00001; TOPMed 0.00002; gnomAD 0.00005.
gnomAD v4.1: 27 of 1,613,840 alleles (0.0017%); highest among the groups gnomAD compares: Middle Eastern, 0.033%; no homozygotes.

Submission:

Labcorp Genetics (formerly Invitae), Labcorp
Classification: Uncertain significance. Last evaluated: 2024-10-29. Review status: criteria provided, single submitter. Criteria: Invitae Variant Classification Sherloc (09022015). Collection method: clinical testing. Allele origin: germline.
Comment: This sequence change replaces alanine, which is neutral and non-polar, with threonine, which is neutral and polar, at codon 2769 of the CDH23 protein (p.Ala2769Thr). This variant is present in population databases (rs545041688, gnomAD 0.01%). This variant has not been reported in the literature in individuals affected with CDH23-related conditions. ClinVar contains an entry for this variant (Variation ID: 1909309). Invitae Evidence Modeling of protein sequence and biophysical properties (such as structural, functional, and spatial information, amino acid conservation, physicochemical variation, residue mobility, and thermodynamic stability) has been performed for this missense variant. However, the output from this modeling did not meet the statistical confidence thresholds required to predict the impact of this variant on CDH23 protein function. In summary, the available evidence is currently insufficient to determine the role of this variant in disease. Therefore, it has been classified as a Variant of Uncertain Significance.

NM_022124.6(CDH23):c.8305G>A (p.Ala2769Thr)

Gene: CDH23 (cadherin related 23; plus strand). Cytogenetic location: 10q22.1.
Variant type: single nucleotide variant.
Coding change: c.8305G>A on transcript NM_022124.6 (MANE Select); coding-DNA position 8305, G replaced by A.
Protein change: p.Ala2769Thr; replaces alanine 2769 with threonine.
Molecular consequence: missense variant.
Genome position (GRCh38, 1-based): chr10:71,807,403, G>A. VCF-style: chr10-71807403-G-A. GRCh37 (hg19) VCF-style: chr10-73567160-G-A.
Other names: c.1585G>A, p.Ala529Thr (NM_001171933.1, NM_001171934.1); short protein forms A2769T, A529T.
Identifiers: ClinVar variation 1909309 (VCV001909309.4), dbSNP rs545041688, ClinGen allele CA5546603.